The following is an entry in ClinVar:

NM_001374828.1(ARID1B):c.6504_6516dup (p.Asp2173fs)

Gene: ARID1B (AT-rich interaction domain 1B; plus strand). Cytogenetic location: 6q25.3.
Variant type: Duplication.
Coding change: c.6504_6516dup on transcript NM_001374828.1 (MANE Select); coding-DNA positions 6504 to 6516, 13 bases duplicated (CTTGCCAATTTTG).
Protein change: p.Asp2173fs; shifts the reading frame from aspartic acid 2173.
Molecular consequence: frameshift variant.
Genome position (GRCh38, 1-based): chr6:157,207,276-157,207,288, CTTGCCAATTTTG duplicated; duplicating any 13 consecutive bases within chr6:157,207,274-157,207,288 gives the same sequence; the c. name uses the placement nearest the transcript's 3' end. VCF-style (leftmost placement, unchanged base first): chr6-157207273-C-CTGCTTGCCAATTT. GRCh37 (hg19) VCF-style: chr6-157528407-C-CTGCTTGCCAATTT.
Other names: c.4005_4017dup, p.Asp1340fs (NM_001363725.2); c.6384_6396dup, p.Asp2133fs (NM_001371656.1, NM_001374820.1); c.6633_6645dup, p.Asp2216fs (NM_001438482.1); c.6546_6558dup, p.Asp2187fs (NM_001438483.1); c.6414_6426dup, p.Asp2143fs (NM_001438485.1); c.6387_6399dup, p.Asp2134fs (NM_001438486.1); c.6324_6336dup, p.Asp2113fs (NM_001438487.1); c.3846_3858dup, p.Asp1287fs (NM_001438488.1); and 1 more; short protein forms D1287fs, D2113fs, D2120fs, D2134fs, D2143fs, D2187fs, D2216fs, D1340fs.
Identifiers: ClinVar variation 4719293 (VCV004719293.1).

ClinVar aggregate classification (germline): Pathogenic (1 of 4 stars; one submission).

Submission:

Labcorp Genetics (formerly Invitae), Labcorp
Classification: Pathogenic. Last evaluated: 2025-05-11. Review status: criteria provided, single submitter. Criteria: Invitae Variant Classification Sherloc (09022015). Collection method: clinical testing. Allele origin: germline.
Comment: This sequence change creates a premature translational stop signal (p.Asp2050Leufs*43) in the ARID1B gene. While this is not anticipated to result in nonsense mediated decay, it is expected to disrupt the last 200 amino acid(s) of the ARID1B protein. This variant is not present in population databases (gnomAD no frequency). This variant has not been reported in the literature in individuals affected with ARID1B-related conditions. This variant disrupts a region of the ARID1B protein in which other variant(s) (p.Arg2128*) have been determined to be pathogenic (PMID: 33619735). This suggests that this is a clinically significant region of the protein, and that variants that disrupt it are likely to be disease-causing. For these reasons, this variant has been classified as Pathogenic.

Literature cited by the submitters: PubMed 33619735.